The following is an entry in ClinVar:

NM_000552.5(VWF):c.7887+12T>C

Gene: VWF (von Willebrand factor; minus strand). Cytogenetic location: 12p13.31.
Variant type: single nucleotide variant.
Coding change: c.7887+12T>C on transcript NM_000552.5 (MANE Select); 12 bases into the intron after coding-DNA position 7887, T replaced by C.
Molecular consequence: intron variant.
Genome position (GRCh38, 1-based): chr12:5,967,474, A>G on the plus strand (T>C on the coding strand, the complement: VWF is on the minus strand). VCF-style: chr12-5967474-A-G. GRCh37 (hg19) VCF-style: chr12-6076640-A-G.
Identifiers: ClinVar variation 256701 (VCV000256701.47), dbSNP rs55687637, ClinGen allele CA6401485.

ClinVar aggregate classification (germline): Conflicting classifications of pathogenicity. Review status: criteria provided, conflicting classifications (1 of 4 stars). 8 submissions from 8 submitters: Uncertain significance (1); Benign (3); Likely benign (2). 2 of the submissions do not count toward it. Last evaluated 2025-09-10.

Conditions:
Hereditary von Willebrand disease. Identifiers: Orphanet 903, MedGen C5703318, MONDO:0019565. Inheritance: Autosomal recessive or Autosomal dominant.
von Willebrand disease type 1 (VWD1). Also called: VON WILLEBRAND DISEASE, TYPE I; VWD, TYPE 1. Identifiers: Orphanet 166078, Orphanet 903, MedGen C1264039, MONDO:0008668, OMIM 193400. Inheritance: autosomal recessive or autosomal dominant.

Allele frequency attached by ClinVar (database versions not stated): 1000 Genomes Project 30x 0.00484; 1000 Genomes Project 0.00499; ExAC 0.00766; gnomAD exomes 0.00777 and 0.01031; gnomAD 0.00785 and 0.00814; TOPMed 0.00804; ESP Exome Variant Server 0.01038.
gnomAD v4.1: 16,248 of 1,613,368 alleles (1%); highest among the groups gnomAD compares: Middle Eastern, 1.3%; 97 homozygotes.

Submissions (8):

Genomic Medicine Center of Excellence, King Faisal Specialist Hospital and Research Centre
Classification: Likely benign for von Willebrand disease type 1. Last evaluated: 2025-09-10. Review status: criteria provided, single submitter. Criteria: ACMG Guidelines, 2015. Collection method: clinical testing. Allele origin: germline.

ARUP Laboratories, Molecular Genetics and Genomics, ARUP Laboratories
Classification: Benign. Last evaluated: 2025-07-07. Review status: criteria provided, single submitter. Criteria: ARUP Molecular Germline Variant Investigation Process 2024. Collection method: clinical testing. Allele origin: germline.

Blueprint Genetics
Classification: Likely benign. Last evaluated: 2024-11-27. Review status: criteria provided, single submitter. Criteria: ACMG Guidelines, 2015. Collection method: clinical testing. Allele origin: germline.

CeGaT Center for Human Genetics Tuebingen
Classification: Benign. Last evaluated: 2022-07-01. Review status: criteria provided, single submitter. Criteria: CeGaT Center For Human Genetics Tuebingen Variant Classification Criteria Version 2. Collection method: clinical testing. Allele origin: germline. Affected: yes. Observed: 1 variant allele.
Comment: VWF: BS1, BS2

Illumina Laboratory Services, Illumina
Classification: Uncertain significance for von Willebrand disorder. Last evaluated: 2018-01-13. Review status: criteria provided, single submitter. Criteria: ICSL Variant Classification Criteria 13 December 2019. Collection method: clinical testing. Allele origin: germline.

PreventionGenetics, part of Exact Sciences
Classification: Benign. Review status: criteria provided, single submitter. Criteria: ACMG Guidelines, 2015. Collection method: clinical testing. Allele origin: germline.

Genome Diagnostics Laboratory, University Medical Center Utrecht
Classification: Benign. Review status: no assertion criteria provided. Collection method: clinical testing. Allele origin: germline. Affected: yes. Study: VKGL Data-share Consensus. Not counted in ClinVar's aggregate classification.

Joint Genome Diagnostic Labs from Nijmegen and Maastricht, Radboudumc and MUMC+
Classification: Benign. Review status: no assertion criteria provided. Collection method: clinical testing. Allele origin: germline. Affected: yes. Study: VKGL Data-share Consensus. Not counted in ClinVar's aggregate classification.